The following is an entry in ClinVar:

NM_017934.7(PHIP):c.3805A>G (p.Ile1269Val)

Genes: IRAK1BP1 (interleukin 1 receptor associated kinase 1 binding protein 1; plus strand), PHIP (PHIP subunit of CUL4-Ring ligase complex; minus strand). Cytogenetic location: 6q14.1.
Variant type: single nucleotide variant.
Coding change: c.3805A>G on transcript NM_017934.7 (MANE Select); coding-DNA position 3805, A replaced by G.
Protein change: p.Ile1269Val; replaces isoleucine 1269 with valine.
Molecular consequence: missense variant.
Genome position (GRCh38, 1-based): chr6:78,955,660, T>C on the plus strand (A>G on the coding strand, the complement: PHIP is on the minus strand). VCF-style: chr6-78955660-T-C. GRCh37 (hg19) VCF-style: chr6-79665377-T-C.
Other names: c.3805A>G (NM_017934.6); short protein forms I1269V.
Identifiers: ClinVar variation 2061236 (VCV002061236.9), dbSNP rs750044760, ClinGen allele CA3899604.

ClinVar aggregate classification (germline): Likely benign. Review status: criteria provided, multiple submitters, no conflicts (2 of 4 stars). 3 submissions from 3 submitters: Likely benign (2). 1 of the submissions does not count toward it. Last evaluated 2026-04-01.

Conditions:
PHIP-related disorder. Also called: PHIP-related disorders; PHIP-related condition.

Allele frequency attached by ClinVar (database versions not stated): TOPMed 0.00011; ExAC 0.00012; gnomAD exomes 0.00013; gnomAD 0.00015.
gnomAD v4.1: 150 of 1,086,824 alleles (0.014%); highest among the groups gnomAD compares: Middle Eastern, 0.08%; no homozygotes.

Submissions (3):

CeGaT Center for Human Genetics Tuebingen
Classification: Likely benign. Last evaluated: 2026-04-01. Review status: criteria provided, single submitter. Criteria: CeGaT Center For Human Genetics Tuebingen Variant Classification Criteria Version 2. Collection method: clinical testing. Allele origin: germline. Affected: yes. Observed: 1 variant allele.
Comment: PHIP: BS2

Labcorp Genetics (formerly Invitae), Labcorp
Classification: Likely benign. Last evaluated: 2024-11-05. Review status: criteria provided, single submitter. Criteria: Invitae Variant Classification Sherloc (09022015). Collection method: clinical testing. Allele origin: germline.

PreventionGenetics, part of Exact Sciences
Classification: Uncertain significance for PHIP-related condition. Last evaluated: 2024-04-12. Review status: no assertion criteria provided. Collection method: clinical testing. Allele origin: germline. Not counted in ClinVar's aggregate classification.
Comment: The PHIP c.3805A>G variant is predicted to result in the amino acid substitution p.Ile1269Val. To our knowledge, this variant has not been reported in the literature. This variant is reported in 0.020% of alleles in individuals of European (Non-Finnish) descent in gnomAD, which is likely too common to be a primary cause of disease. Although we suspect that this variant may be benign, at this time, the clinical significance is uncertain due to the absence of conclusive functional and genetic evidence.